The following is an entry in ClinVar:

ClinVar aggregate classification (germline): Benign. Review status: criteria provided, multiple submitters, no conflicts (2 of 4 stars). 8 submissions from 7 submitters: Benign (8). Last evaluated 2026-02-02.

Conditions:
Anterior segment dysgenesis 1 (ASGD1). Identifiers: MedGen C4551992, MONDO:0007138, OMIM 107250.
Cataract 11 multiple types. Also called: Cataract 11. Identifiers: Orphanet 91492, MedGen C1864567, MONDO:0012527, OMIM 610623.

Allele frequency attached by ClinVar (database versions not stated): ExAC 0.64697; TOPMed 0.65856; ESP Exome Variant Server 0.66323; 1000 Genomes Project 0.66414; 1000 Genomes Project 30x 0.66505; gnomAD 0.66644.
gnomAD v4.1: 1,003,836 of 1,608,126 alleles (62%); highest among the groups gnomAD compares: African/African-American, 75%; 315,660 homozygotes.

Submissions (8):

Labcorp Genetics (formerly Invitae), Labcorp
Classification: Benign. Last evaluated: 2026-02-02. Review status: criteria provided, single submitter. Criteria: Invitae Variant Classification Sherloc (09022015). Collection method: clinical testing. Allele origin: germline.

Blueprint Genetics
Classification: Benign. Last evaluated: 2024-11-27. Review status: criteria provided, single submitter. Criteria: ACMG Guidelines, 2015. Collection method: clinical testing. Allele origin: germline.

Genome-Nilou Lab
Classification: Benign for Anterior segment dysgenesis 1. Last evaluated: 2021-09-05. Review status: criteria provided, single submitter. Criteria: ACMG Guidelines, 2015. Collection method: clinical testing. Allele origin: germline. Affected: no.

Genome-Nilou Lab
Classification: Benign for Cataract 11 multiple types. Last evaluated: 2021-09-05. Review status: criteria provided, single submitter. Criteria: ACMG Guidelines, 2015. Collection method: clinical testing. Allele origin: germline. Affected: no.

GeneDx
Classification: Benign. Last evaluated: 2018-04-16. Review status: criteria provided, single submitter. Criteria: GeneDx Variant Classification (06012015). Collection method: clinical testing. Allele origin: germline. Affected: yes.
Comment: This variant is considered likely benign or benign based on one or more of the following criteria: it is a conservative change, it occurs at a poorly conserved position in the protein, it is predicted to be benign by multiple in silico algorithms, and/or has population frequency not consistent with disease.

Eurofins Ntd Llc (ga)
Classification: Benign. Last evaluated: 2014-08-25. Review status: criteria provided, single submitter. Criteria: EGL Classification Definitions 2015. Collection method: clinical testing. Allele origin: germline. Observed: 6 variant alleles, 4 heterozygotes, 2 homozygotes.

Breakthrough Genomics
Classification: Benign. Review status: criteria provided, single submitter. Criteria: ACMG Guidelines, 2015. Collection method: not provided. Allele origin: germline. Inheritance: Autosomal dominant inheritance. Affected: yes.

PreventionGenetics, part of Exact Sciences
Classification: Benign. Review status: criteria provided, single submitter. Criteria: ACMG Guidelines, 2015. Collection method: clinical testing. Allele origin: germline.

NM_005029.4(PITX3):c.285C>T (p.Ile95=)

Genes: GBF1 (golgi brefeldin A resistant guanine nucleotide exchange factor 1; plus strand), PITX3 (paired like homeodomain 3; minus strand). Cytogenetic location: 10q24.32.
Variant type: single nucleotide variant.
Coding change: c.285C>T on transcript NM_005029.4 (MANE Select); coding-DNA position 285, C replaced by T.
Protein change: p.Ile95=; no amino-acid change (isoleucine 95 retained).
Molecular consequence: synonymous variant.
Genome position (GRCh38, 1-based): chr10:102,231,624, G>A on the plus strand (C>T on the coding strand, the complement: PITX3 is on the minus strand). VCF-style: chr10-102231624-G-A. GRCh37 (hg19) VCF-style: chr10-103991381-G-A.
Identifiers: ClinVar variation 196404 (VCV000196404.17), dbSNP rs2281983, ClinGen allele CA202356.
Genomic context (GRCh38, chr10:102,231,624, plus strand): 5'-GAGTCGCGGGTCTGGAGAGCATACCCGCACGCGGGCCTCGGTGAGGTTGGTCCACACGGC[G>A]ATCTCCTCGCGCGTGCTCATGTCGGGGTAGCGGTTCCTCTGGAAGGTCGCCTCTAGCTCC-3'
Protein context (NP_005020.1, residues 85-105): RYPDMSTREE[Ile95=]AVWTNLTEAR